The following is an entry in ClinVar:

NM_032444.4(SLX4):c.2860G>A (p.Gly954Ser)

Gene: SLX4 (SLX4 structure-specific endonuclease subunit; minus strand). Cytogenetic location: 16p13.3.
Variant type: single nucleotide variant.
Coding change: c.2860G>A on transcript NM_032444.4 (MANE Select); coding-DNA position 2860, G replaced by A.
Protein change: p.Gly954Ser; replaces glycine 954 with serine.
Molecular consequence: missense variant.
Genome position (GRCh38, 1-based): chr16:3,590,778, C>T on the plus strand (G>A on the coding strand, the complement: SLX4 is on the minus strand). VCF-style: chr16-3590778-C-T. GRCh37 (hg19) VCF-style: chr16-3640779-C-T.
Other names: short protein forms G954S.
Identifiers: ClinVar variation 2844453 (VCV002844453.3), dbSNP rs1343852438, ClinGen allele CA394522615.

ClinVar aggregate classification (germline): Uncertain significance (1 of 4 stars; one submission).

Conditions:
Fanconi anemia (FA). Also called: Fanconi's anemia. Identifiers: Orphanet 84, MedGen C0015625, MeSH D005199, MONDO:0019391.

Allele frequency attached by ClinVar (database versions not stated): TOPMed 0.00001.
gnomAD v4.1: 13 of 1,614,040 alleles (0.00081%); highest among the groups gnomAD compares: Admixed American, 0.0017%; no homozygotes.

Submission:

Labcorp Genetics (formerly Invitae), Labcorp
Classification: Uncertain significance for Fanconi anemia. Last evaluated: 2024-04-30. Review status: criteria provided, single submitter. Criteria: Invitae Variant Classification Sherloc (09022015). Collection method: clinical testing. Allele origin: germline.
Comment: This sequence change replaces glycine, which is neutral and non-polar, with serine, which is neutral and polar, at codon 954 of the SLX4 protein (p.Gly954Ser). This variant is present in population databases (no rsID available, gnomAD 0.003%). This variant has not been reported in the literature in individuals affected with SLX4-related conditions. Algorithms developed to predict the effect of missense changes on protein structure and function output the following: SIFT: "Not Available"; PolyPhen-2: "Benign"; Align-GVGD: "Not Available". The serine amino acid residue is found in multiple mammalian species, which suggests that this missense change does not adversely affect protein function. In summary, the available evidence is currently insufficient to determine the role of this variant in disease. Therefore, it has been classified as a Variant of Uncertain Significance.